The following is an entry in ClinVar:

NM_001321103.2(SLC4A7):c.1093G>A (p.Glu365Lys)

Gene: SLC4A7 (solute carrier family 4 member 7; minus strand). Cytogenetic location: 3p24.1.
Variant type: single nucleotide variant.
Coding change: c.1093G>A on transcript NM_001321103.2 (MANE Select); coding-DNA position 1093, G replaced by A.
Protein change: p.Glu365Lys; replaces glutamic acid 365 with lysine.
Molecular consequence: missense variant. On other transcripts: non-coding transcript variant (2), intron variant (4).
Genome position (GRCh38, 1-based): chr3:27,431,355, C>T on the plus strand (G>A on the coding strand, the complement: SLC4A7 is on the minus strand). VCF-style: chr3-27431355-C-T. GRCh37 (hg19) VCF-style: chr3-27472846-C-T.
Other names: c.1054G>A, p.Glu352Lys (NM_001321104.2, NM_001321105.2); c.1042G>A, p.Glu348Lys (NM_001321106.2); c.1066G>A, p.Glu356Lys (NM_003615.5); c.766+2561G>A (NM_001321107.2, NM_001258379.2); c.778+2561G>A (NM_001321108.2); c.751+2561G>A (NM_001258380.2); short protein forms E348K, E352K, E356K, E365K.
Identifiers: ClinVar variation 3033722 (VCV003033722.2), dbSNP rs149030403, ClinGen allele CA2292058.

ClinVar aggregate classification (germline): Likely benign (0 of 4 stars; one submission).

Conditions:
SLC4A7-related disorder. Also called: SLC4A7-related condition.

Allele frequency attached by ClinVar (database versions not stated): ESP Exome Variant Server 0.00015; gnomAD 0.00027; TOPMed 0.00027; 1000 Genomes Project 30x 0.00047; gnomAD exomes 0.00054; 1000 Genomes Project 0.00060; ExAC 0.00107.
gnomAD v4.1: 825 of 1,612,904 alleles (0.051%); highest among the groups gnomAD compares: South Asian, 0.59%; 13 homozygotes.

Submission:

PreventionGenetics, part of Exact Sciences
Classification: Likely benign for SLC4A7-related condition. Last evaluated: 2019-06-19. Review status: no assertion criteria provided. Collection method: clinical testing. Allele origin: germline.
Comment: This variant is classified as likely benign based on ACMG/AMP sequence variant interpretation guidelines (Richards et al. 2015 PMID: 25741868, with internal and published modifications).